The following is an entry in ClinVar:

ClinVar aggregate classification (germline): Pathogenic. Review status: criteria provided, multiple submitters, no conflicts (2 of 4 stars). 2 submissions from 2 submitters: Pathogenic (2). Last evaluated 2025-05-15.

Conditions:
Hereditary cancer-predisposing syndrome. Also called: Hereditary neoplastic syndrome; Neoplastic Syndromes, Hereditary; Tumor predisposition; Hereditary Cancer Syndrome. Identifiers: Orphanet 140162, MedGen C0027672, MeSH D009386, MONDO:0015356.
Ataxia-telangiectasia-like disorder 1 (ATLD1). Identifiers: Orphanet 251347, MedGen C4012790, MONDO:0024557, OMIM 604391.

Submissions (2):

Clinical Genetics Laboratory, University Hospital Schleswig-Holstein
Classification: Pathogenic for Ataxia-telangiectasia-like disorder 1. Last evaluated: 2025-05-15. Review status: criteria provided, single submitter. Criteria: ACMG Guidelines, 2015. Collection method: clinical testing. Allele origin: germline. Affected: yes. Observed: 1 heterozygote.
Comment: ACMG criteria applied: PM2, PVS1, PP4

Ambry Genetics
Classification: Pathogenic for Hereditary cancer-predisposing syndrome. Last evaluated: 2021-08-03. Review status: criteria provided, single submitter. Criteria: Ambry Variant Classification Scheme 2023. Collection method: clinical testing. Allele origin: germline.
Comment: The c.628delT pathogenic mutation, located in coding exon 6 of the MRE11A gene, results from a deletion of one nucleotide at nucleotide position 628, causing a translational frameshift with a predicted alternate stop codon (p.W210Gfs*6). This alteration is expected to result in loss of function by premature protein truncation or nonsense-mediated mRNA decay. As such, this alteration is interpreted as a disease-causing mutation.

NM_005591.4(MRE11):c.628del (p.Trp210fs)

Gene: MRE11 (MRE11 double strand break repair nuclease; minus strand). Cytogenetic location: 11q21.
Variant type: Deletion.
Coding change: c.628del on transcript NM_005591.4 (MANE Select); coding-DNA position 628, one base deleted (T; older notation c.628delT).
Protein change: p.Trp210fs; shifts the reading frame from tryptophan 210.
Molecular consequence: frameshift variant.
Genome position (GRCh38, 1-based): chr11:94,476,320, A deleted on the plus strand (T on the coding strand, the reverse complement: MRE11 is on the minus strand); the first of 2 consecutive A bases (chr11:94,476,320-94,476,321); deleting either gives the same sequence. VCF-style (leftmost placement, unchanged base first): chr11-94476319-CA-C. GRCh37 (hg19) VCF-style: chr11-94209485-CA-C.
Other names: c.628del, p.Trp210fs (NM_001330347.2, NM_005590.4); c.628delT (NM_005591.3); short protein forms W210fs.
Identifiers: ClinVar variation 1799732 (VCV001799732.3), dbSNP rs2496534663, ClinGen allele CA2580085086.